The following is an entry in ClinVar:

NM_152641.4(ARID2):c.1759A>G (p.Ser587Gly)

Gene: ARID2 (AT-rich interaction domain 2; plus strand). Cytogenetic location: 12q12.
Variant type: single nucleotide variant.
Coding change: c.1759A>G on transcript NM_152641.4 (MANE Select); coding-DNA position 1759, A replaced by G.
Protein change: p.Ser587Gly; replaces serine 587 with glycine.
Molecular consequence: missense variant.
Genome position (GRCh38, 1-based): chr12:45,849,623, A>G. VCF-style: chr12-45849623-A-G. GRCh37 (hg19) VCF-style: chr12-46243406-A-G.
Other names: c.1759A>G, p.Ser587Gly (NM_001347839.2); short protein forms S587G.
Identifiers: ClinVar variation 133559 (VCV000133559.5), dbSNP rs78128744, ClinGen allele CA156946.
Genomic context (GRCh38, chr12:45,849,623, plus strand): 5'-ATGTATGTACTTTACAGAACGGTCTTTCCAAATCATACAGTGAAGAGAGTGGAGGATTCC[A>G]GTAGCAATGGGCAGGCACATATTCATGTGGTAGGAGTAAAACGGAGGGCTATACCACTTC-3'
Protein context (NP_689854.2, residues 577-597): NHTVKRVEDS[Ser587Gly]SNGQAHIHVV

ClinVar aggregate classification (germline): Benign. Review status: criteria provided, single submitter (1 of 4 stars). 2 submissions from 2 submitters: Benign (1). 1 of the submissions does not count toward it. Last evaluated 2019-12-31.

Allele frequency attached by ClinVar (database versions not stated): ESP Exome Variant Server 0.00038; gnomAD 0.00090 and 0.00125; gnomAD exomes 0.00103 and 0.00262; TOPMed 0.00174; ExAC 0.00256; 1000 Genomes Project 0.00519; 1000 Genomes Project 30x 0.00531.
gnomAD v4.1: 1,725 of 1,613,622 alleles (0.11%); highest among the groups gnomAD compares: East Asian, 2.6%; 19 homozygotes.

Submissions (2):

Labcorp Genetics (formerly Invitae), Labcorp
Classification: Benign. Last evaluated: 2019-12-31. Review status: criteria provided, single submitter. Criteria: Invitae Variant Classification Sherloc (09022015). Collection method: clinical testing. Allele origin: germline.

ITMI
No classification provided. Condition: AllHighlyPenetrant. Last evaluated: 2013-09-19. Review status: no classification provided. Collection method: reference population. Allele origin: germline. Not counted in ClinVar's aggregate classification.
Comment: Please see associated publication for description of ethnicities

Literature cited by the submitters: PubMed 24728327 (cited by ITMI).